The following is an entry in ClinVar:

ClinVar aggregate classification (germline): Uncertain significance (1 of 4 stars; one submission).

Conditions:
Inborn genetic diseases. Identifiers: MedGen C0950123, MeSH D030342.

gnomAD v4.1: 2 of 1,611,722 alleles (0.00012%); highest among the groups gnomAD compares: Non-Finnish European, 0.00017%; no homozygotes.

Submission:

Ambry Genetics
Classification: Uncertain significance for Inborn genetic diseases. Last evaluated: 2025-06-25. Review status: criteria provided, single submitter. Criteria: Ambry Variant Classification Scheme 2023. Collection method: clinical testing. Allele origin: germline.
Comment: The p.S1978N variant (also known as c.5933G>A), located in coding exon 22 of the FANCM gene, results from a G to A substitution at nucleotide position 5933. The serine at codon 1978 is replaced by asparagine, an amino acid with highly similar properties. This amino acid position is conserved. In addition, this alteration is predicted to be tolerated by in silico analysis. Based on the available evidence, the clinical significance of this variant remains unclear.

NM_020937.4(FANCM):c.5933G>A (p.Ser1978Asn)

Gene: FANCM (FA complementation group M; plus strand). Cytogenetic location: 14q21.2.
Variant type: single nucleotide variant.
Coding change: c.5933G>A on transcript NM_020937.4 (MANE Select); coding-DNA position 5933, G replaced by A.
Protein change: p.Ser1978Asn; replaces serine 1978 with asparagine.
Molecular consequence: missense variant.
Genome position (GRCh38, 1-based): chr14:45,198,860, G>A. VCF-style: chr14-45198860-G-A. GRCh37 (hg19) VCF-style: chr14-45668063-G-A.
Other names: c.5855G>A, p.Ser1952Asn (NM_001308133.2); short protein forms S1978N, S1952N.
Identifiers: ClinVar variation 4254542 (VCV004254542.1).